The following is an entry in ClinVar:

ClinVar aggregate classification (germline): Uncertain significance (1 of 4 stars; one submission).

Allele frequency attached by ClinVar (database versions not stated): gnomAD exomes below 0.00001; TOPMed below 0.00001; gnomAD 0.00001.
gnomAD v4.1: 3 of 1,613,552 alleles (0.00019%); highest among the groups gnomAD compares: Non-Finnish European, 0.00025%; no homozygotes.

Submission:

Labcorp Genetics (formerly Invitae), Labcorp
Classification: Uncertain significance. Last evaluated: 2021-08-12. Review status: criteria provided, single submitter. Criteria: Invitae Variant Classification Sherloc (09022015). Collection method: clinical testing. Allele origin: germline.
Comment: In summary, the available evidence is currently insufficient to determine the role of this variant in disease. Therefore, it has been classified as a Variant of Uncertain Significance. Algorithms developed to predict the effect of missense changes on protein structure and function are either unavailable or do not agree on the potential impact of this missense change (SIFT: "Deleterious"; PolyPhen-2: "Benign"; Align-GVGD: "Class C65"). This variant has not been reported in the literature in individuals affected with NBAS-related conditions. This variant is not present in population databases (ExAC no frequency). This sequence change replaces glutamic acid with alanine at codon 1306 of the NBAS protein (p.Glu1306Ala). The glutamic acid residue is highly conserved and there is a moderate physicochemical difference between glutamic acid and alanine.

NM_015909.4(NBAS):c.3917A>C (p.Glu1306Ala)

Gene: NBAS (NBAS subunit of NRZ tethering complex; minus strand). Cytogenetic location: 2p24.3.
Variant type: single nucleotide variant.
Coding change: c.3917A>C on transcript NM_015909.4 (MANE Select); coding-DNA position 3917, A replaced by C.
Protein change: p.Glu1306Ala; replaces glutamic acid 1306 with alanine.
Molecular consequence: missense variant. On other transcripts: non-coding transcript variant (1).
Genome position (GRCh38, 1-based): chr2:15,356,317, T>G on the plus strand (A>C on the coding strand, the complement: NBAS is on the minus strand). VCF-style: chr2-15356317-T-G. GRCh37 (hg19) VCF-style: chr2-15496441-T-G.
Other names: short protein forms E1306A.
Identifiers: ClinVar variation 1345724 (VCV001345724.6), dbSNP rs1286644783, ClinGen allele CA345891887.
Genomic context (GRCh38, chr2:15,356,317, plus strand): 5'-ACATAAAGAGGACATAAGCAAAGTGTTAAATAAGCTGTCTACTCACCTGTGGCCATCAGC[T>G]CCTGACAATGCATACTGGCTGCTTTGTAGTCATGGAAGCGAAGTGCCTGCTCCACTAAAA-3'
Protein context (NP_056993.2, residues 1296-1316): DYKAASMHCQ[Glu1306Ala]LMATGYPKSW